The following is an entry in ClinVar:

NM_003611.3(OFD1):c.274T>C (p.Ser92Pro)

Gene: OFD1 (OFD1 centriole and centriolar satellite protein; plus strand). Cytogenetic location: Xp22.2.
Variant type: single nucleotide variant.
Coding change: c.274T>C on transcript NM_003611.3 (MANE Select); coding-DNA position 274, T replaced by C.
Protein change: p.Ser92Pro; replaces serine 92 with proline.
Molecular consequence: missense variant. On other transcripts: 5 prime UTR variant (1).
Genome position (GRCh38, 1-based): chrX:13,736,640, T>C. VCF-style: chrX-13736640-T-C. GRCh37 (hg19) VCF-style: chrX-13754759-T-C.
Other names: c.274T>C, p.Ser92Pro (NM_001330209.2); c.-272T>C (NM_001330210.2); short protein forms S92P.
Identifiers: ClinVar variation 3338817 (VCV003338817.1).
Genomic context (GRCh38, chrX:13,736,640, plus strand): 5'-GGCGCCTCTAACTCTTTAGTGGCAGATCACTTACAAAGATGTGGCTATGAATATTCACTT[T>C]CTGTTTTCTTTCCAGAAAGTGGTTTGGCAAAAGAAAAGGTAAAGTCTTTCCTTTTCTGTT-3'
Protein context (NP_003602.1, residues 82-102): LQRCGYEYSL[Ser92Pro]VFFPESGLAK

ClinVar aggregate classification (germline): Likely pathogenic (1 of 4 stars; one submission).

Submission:

GeneDx
Classification: Likely pathogenic. Last evaluated: 2023-09-09. Review status: criteria provided, single submitter. Criteria: GeneDx Variant Classification Process June 2021. Collection method: clinical testing. Allele origin: germline. Affected: yes.
Comment: Reported in a patient with a clinical diagnosis of OFD1 syndrome in the published literature (Prattichizzo et al., 2008); Not observed at significant frequency in large population cohorts (gnomAD); In silico analysis supports that this missense variant has a deleterious effect on protein structure/function; This variant is associated with the following publications: (PMID: 18546297)